The following is an entry in ClinVar:

NM_000747.3(CHRNB1):c.353+1del

Gene: CHRNB1 (cholinergic receptor nicotinic beta 1 subunit; plus strand). Cytogenetic location: 17p13.1.
Variant type: Deletion.
Coding change: c.353+1del on transcript NM_000747.3 (MANE Select); the canonical splice donor site of the intron after coding-DNA position 353, one base deleted (G; older notation c.353+1delG).
Molecular consequence: splice donor variant.
Genome position (GRCh38, 1-based): chr17:7,446,943, G deleted. VCF-style (leftmost placement, unchanged base first): chr17-7446942-AG-A. GRCh37 (hg19) VCF-style: chr17-7350261-AG-A.
Identifiers: ClinVar variation 2663945 (VCV002663945.1), dbSNP rs776540918, ClinGen allele CA8347723.

ClinVar aggregate classification (germline): Likely pathogenic (1 of 4 stars; one submission).

Conditions:
Congenital myasthenic syndrome 2A. Also called: Myasthenic syndrome, congenital, 2a, slow-channel. Identifiers: Orphanet 590, MedGen C4225374, MONDO:0014581, OMIM 616313.

Allele frequency attached by ClinVar (database versions not stated): gnomAD exomes below 0.00001; ExAC 0.00001.

Submission:

Neuberg Centre For Genomic Medicine, NCGM
Classification: Likely pathogenic for Congenital myasthenic syndrome 2A. Review status: criteria provided, single submitter. Criteria: ACMG Guidelines, 2015. Collection method: clinical testing. Allele origin: germline. Inheritance: Autosomal dominant inheritance. Affected: yes.
Comment: The invariant splice donor c.353+1del variant in CHRNB1 gene has not been reported previously as a pathogenic variant nor a benign variant, to our knowledge. The c.353+1del variant has been reported with allele frequency of 0.0004% in gnomAD Exomes and is novel (not in any individuals) in 1000 Genomes. This variant has not been reported to the ClinVar database. Loss of function variants have been previously reported to be disease causing. For these reasons, this variant has been classified as Likely Pathogenic.